The following is an entry in ClinVar:

NM_002468.5(MYD88):c.270C>G (p.Leu90=)

Gene: MYD88 (MYD88 innate immune signal transduction adaptor; plus strand). Cytogenetic location: 3p22.2.
Variant type: single nucleotide variant.
Coding change: c.270C>G on transcript NM_002468.5 (MANE Select); coding-DNA position 270, C replaced by G.
Protein change: p.Leu90=; no amino-acid change (leucine 90 retained).
Molecular consequence: synonymous variant.
Genome position (GRCh38, 1-based): chr3:38,138,970, C>G. VCF-style: chr3-38138970-C-G. GRCh37 (hg19) VCF-style: chr3-38180461-C-G.
Other names: c.270C>G, p.Leu90= (NM_001172566.2, NM_001172567.2, NM_001172568.2 and 4 more transcripts).
Identifiers: ClinVar variation 709850 (VCV000709850.13), dbSNP rs143752366, ClinGen allele CA2316065.
Genomic context (GRCh38, chr3:38,138,970, plus strand): 5'-CACTGGCAGGCTGCTGGACGCCTGGCAGGGACGCCCTGGCGCCTCTGTAGGCCGACTGCT[C>G]GAGCTGCTTACCAAGCTGGGCCGCGACGACGTGCTGCTGGAGCTGGGACCCAGCATTGGT-3'
Protein context (NP_002459.3, residues 80-100): GRPGASVGRL[Leu90=]ELLTKLGRDD

ClinVar aggregate classification (germline): Benign/Likely benign. Review status: criteria provided, multiple submitters, no conflicts (2 of 4 stars). 3 submissions from 3 submitters: Benign (1); Likely benign (1). 1 of the submissions does not count toward it. Last evaluated 2026-01-07.

Conditions:
MYD88-related disorder. Also called: MYD88-related condition.
Pyogenic bacterial infections due to MyD88 deficiency (IMD68). Also called: PYOGENIC BACTERIAL INFECTIONS, RECURRENT, DUE TO MYD88 DEFICIENCY. Identifiers: Orphanet 183713, MedGen C2677092, MONDO:0012839, OMIM 612260.

Allele frequency attached by ClinVar (database versions not stated): gnomAD exomes 0.00024; ExAC 0.00027; gnomAD 0.00031; TOPMed 0.00034; ESP Exome Variant Server 0.00046.
gnomAD v4.1: 906 of 1,608,828 alleles (0.056%); highest among the groups gnomAD compares: Non-Finnish European, 0.072%; 2 homozygotes.

Submissions (3):

Labcorp Genetics (formerly Invitae), Labcorp
Classification: Benign for Pyogenic bacterial infections due to MyD88 deficiency. Last evaluated: 2026-01-07. Review status: criteria provided, single submitter. Criteria: Invitae Variant Classification Sherloc (09022015). Collection method: clinical testing. Allele origin: germline.

Blueprint Genetics
Classification: Likely benign. Last evaluated: 2024-11-06. Review status: criteria provided, single submitter. Criteria: ACMG Guidelines, 2015. Collection method: clinical testing. Allele origin: germline.

PreventionGenetics, part of Exact Sciences
Classification: Likely benign for MYD88-related condition. Last evaluated: 2019-08-16. Review status: no assertion criteria provided. Collection method: clinical testing. Allele origin: germline. Not counted in ClinVar's aggregate classification.
Comment: This variant is classified as likely benign based on ACMG/AMP sequence variant interpretation guidelines (Richards et al. 2015 PMID: 25741868, with internal and published modifications).